The following is an entry in ClinVar:

ClinVar aggregate classification (germline): Benign/Likely benign. Review status: criteria provided, multiple submitters, no conflicts (2 of 4 stars). 3 submissions from 3 submitters: Benign (1); Likely benign (2). Last evaluated 2026-01-12.

Conditions:
Polycystic kidney disease 8. Identifiers: MedGen C5935640, MONDO:0971178, OMIM 620903.
Nephronophthisis 9 (NPHP9). Identifiers: Orphanet 655, MedGen C3151188, MONDO:0013444, OMIM 613824.
Renal-hepatic-pancreatic dysplasia 2 (RHPD2). Identifiers: MedGen C3809434, MONDO:0014174, OMIM 615415.

Allele frequency attached by ClinVar (database versions not stated): TOPMed 0.00023; ESP Exome Variant Server 0.00031; gnomAD exomes 0.00051 and 0.00097; ExAC 0.00086; gnomAD 0.00101 and 0.00106.
gnomAD v4.1: 883 of 1,614,058 alleles (0.055%); highest among the groups gnomAD compares: Non-Finnish European, 0.027%; 3 homozygotes.

Submissions (3):

Labcorp Genetics (formerly Invitae), Labcorp
Classification: Benign for Nephronophthisis 9. Last evaluated: 2026-01-12. Review status: criteria provided, single submitter. Criteria: Invitae Variant Classification Sherloc (09022015). Collection method: clinical testing. Allele origin: germline.

CeGaT Center for Human Genetics Tuebingen
Classification: Likely benign. Last evaluated: 2024-05-01. Review status: criteria provided, single submitter. Criteria: CeGaT Center For Human Genetics Tuebingen Variant Classification Criteria Version 2. Collection method: clinical testing. Allele origin: germline. Affected: yes. Observed: 1 variant allele.
Comment: NEK8: BP4

Fulgent Genetics
Classification: Likely benign for Nephronophthisis 9; Renal-hepatic-pancreatic dysplasia 2; Polycystic kidney disease 8. Last evaluated: 2024-03-26. Review status: criteria provided, single submitter. Criteria: ACMG Guidelines, 2015. Collection method: clinical testing. Allele origin: germline.

NM_178170.3(NEK8):c.1489G>C (p.Ala497Pro)

Gene: NEK8 (NIMA related kinase 8; plus strand). Cytogenetic location: 17q11.2.
Variant type: single nucleotide variant.
Coding change: c.1489G>C on transcript NM_178170.3 (MANE Select); coding-DNA position 1489, G replaced by C.
Protein change: p.Ala497Pro; replaces alanine 497 with proline.
Molecular consequence: missense variant.
Genome position (GRCh38, 1-based): chr17:28,740,534, G>C. VCF-style: chr17-28740534-G-C. GRCh37 (hg19) VCF-style: chr17-27067552-G-C.
Other names: short protein forms A497P.
Identifiers: ClinVar variation 1164925 (VCV001164925.27), dbSNP rs146326420, ClinGen allele CA8467454.